The following is an entry in ClinVar:

ClinVar aggregate classification (germline): Conflicting classifications of pathogenicity. Review status: criteria provided, conflicting classifications (1 of 4 stars). 7 submissions from 7 submitters: Uncertain significance (2); Likely benign (2). 3 of the submissions do not count toward it. Last evaluated 2025-10-20.

Conditions:
Growth delay due to insulin-like growth factor I resistance. Also called: Somatomedin end-organ insensitivity to; Somatomedin-c resistance to; IGF-1 resistance; IGF-I RESISTANCE; Insulin-Like Growth Factor I Resistance. Identifiers: Orphanet 73273, MedGen C1849157, MONDO:0010038, OMIM 270450.
IGF1R-related disorder. Also called: IGF1R-related condition.

Allele frequency attached by ClinVar (database versions not stated): ExAC 0.00006; gnomAD exomes 0.00009 and 0.00011; gnomAD 0.00011 and 0.00013; TOPMed 0.00012; ESP Exome Variant Server 0.00023.
gnomAD v4.1: 181 of 1,610,000 alleles (0.011%); highest among the groups gnomAD compares: Non-Finnish European, 0.015%; no homozygotes.

Submissions (7):

Labcorp Genetics (formerly Invitae), Labcorp
Classification: Likely benign. Last evaluated: 2025-10-20. Review status: criteria provided, single submitter. Criteria: Invitae Variant Classification Sherloc (09022015). Collection method: clinical testing. Allele origin: germline.

Blueprint Genetics
Classification: Likely benign. Last evaluated: 2024-08-12. Review status: criteria provided, single submitter. Criteria: ACMG Guidelines, 2015. Collection method: clinical testing. Allele origin: germline.

Illumina Laboratory Services, Illumina
Classification: Uncertain significance for Growth delay due to insulin-like growth factor I resistance. Last evaluated: 2018-01-13. Review status: criteria provided, single submitter. Criteria: ICSL Variant Classification Criteria 13 December 2019. Collection method: clinical testing. Allele origin: germline.

Eurofins Ntd Llc (ga)
Classification: Uncertain significance. Last evaluated: 2017-04-11. Review status: criteria provided, single submitter. Criteria: EGL Classification Definitions 2015. Collection method: clinical testing. Allele origin: germline. Observed: 1 variant allele, 1 heterozygote.

PreventionGenetics, part of Exact Sciences
Classification: Likely benign for IGF1R-related condition. Last evaluated: 2019-11-21. Review status: no assertion criteria provided. Collection method: clinical testing. Allele origin: germline. Not counted in ClinVar's aggregate classification.
Comment: This variant is classified as likely benign based on ACMG/AMP sequence variant interpretation guidelines (Richards et al. 2015 PMID: 25741868, with internal and published modifications).

Clinical Genetics DNA and cytogenetics Diagnostics Lab, Erasmus MC, Erasmus Medical Center
Classification: Likely benign. Review status: no assertion criteria provided. Collection method: clinical testing. Allele origin: germline. Affected: yes. Study: VKGL Data-share Consensus. Not counted in ClinVar's aggregate classification.

Laboratory of Diagnostic Genome Analysis, Leiden University Medical Center (LUMC)
Classification: Likely benign. Review status: no assertion criteria provided. Collection method: clinical testing. Allele origin: germline. Affected: yes. Study: VKGL Data-share Consensus. Not counted in ClinVar's aggregate classification.

NM_000875.5(IGF1R):c.84G>A (p.Thr28=)

Genes: IGF1R (insulin like growth factor 1 receptor; plus strand), IRAIN (IGF1R antisense imprinted non-protein coding RNA; minus strand). Cytogenetic location: 15q26.3.
Variant type: single nucleotide variant.
Coding change: c.84G>A on transcript NM_000875.5 (MANE Select); coding-DNA position 84, G replaced by A.
Protein change: p.Thr28=; no amino-acid change (threonine 28 retained).
Molecular consequence: synonymous variant. On other transcripts: non-coding transcript variant (1).
Genome position (GRCh38, 1-based): chr15:98,649,665, G>A. VCF-style: chr15-98649665-G-A. GRCh37 (hg19) VCF-style: chr15-99192894-G-A.
Other names: c.84G>A, p.Thr28= (NM_001291858.2).
Identifiers: ClinVar variation 501270 (VCV000501270.22), dbSNP rs372748482, ClinGen allele CA7751717.
Genomic context (GRCh38, chr15:98,649,665, plus strand): 5'-GTCCCCGACCTCGCTGTGGGGGCTCCTGTTTCTCTCCGCCGCGCTCTCGCTCTGGCCGAC[G>A]AGTGGAGAAAGTGAGTATGTGCCCGCCGCCCGCGGCCACTGCGGGAACTTTTCCTCCGAG-3'
Protein context (NP_000866.1, residues 18-38): FLSAALSLWP[Thr28=]SGEICGPGID